The following is an entry in ClinVar:

ClinVar aggregate classification (germline): Uncertain significance (1 of 4 stars; one submission).

Allele frequency attached by ClinVar (database versions not stated): TOPMed below 0.00001; gnomAD 0.00001.
gnomAD v4.1: 2 of 1,612,992 alleles (0.00012%); highest among the groups gnomAD compares: Non-Finnish European, 0.00017%; no homozygotes.

Submission:

Labcorp Genetics (formerly Invitae), Labcorp
Classification: Uncertain significance. Last evaluated: 2022-07-23. Review status: criteria provided, single submitter. Criteria: Invitae Variant Classification Sherloc (09022015). Collection method: clinical testing. Allele origin: germline.
Comment: In summary, the available evidence is currently insufficient to determine the role of this variant in disease. Therefore, it has been classified as a Variant of Uncertain Significance. Experimental studies and prediction algorithms are not available or were not evaluated, and the functional significance of this variant is currently unknown. This variant has not been reported in the literature in individuals affected with COL18A1-related conditions. This variant is not present in population databases (gnomAD no frequency). This sequence change replaces alanine, which is neutral and non-polar, with proline, which is neutral and non-polar, at codon 625 of the COL18A1 protein (p.Ala625Pro).

NM_001379500.1(COL18A1):c.1873G>C (p.Ala625Pro)

Gene: COL18A1 (collagen type XVIII alpha 1 chain; plus strand). Cytogenetic location: 21q22.3.
Variant type: single nucleotide variant.
Coding change: c.1873G>C on transcript NM_001379500.1 (MANE Select); coding-DNA position 1873, G replaced by C.
Protein change: p.Ala625Pro; replaces alanine 625 with proline.
Molecular consequence: missense variant.
Genome position (GRCh38, 1-based): chr21:45,487,486, G>C. VCF-style: chr21-45487486-G-C. GRCh37 (hg19) VCF-style: chr21-46907400-G-C.
Other names: c.2413G>C, p.Ala805Pro (NM_030582.4); c.3118G>C, p.Ala1040Pro (NM_130444.3); short protein forms A805P, A1040P, A625P.
Identifiers: ClinVar variation 2006660 (VCV002006660.4), dbSNP rs2036156014, ClinGen allele CA410496494.